The following is an entry in ClinVar:

ClinVar aggregate classification (germline): Uncertain significance (1 of 4 stars; one submission).

Submission:

GeneDx
Classification: Uncertain significance. Last evaluated: 2024-04-26. Review status: criteria provided, single submitter. Criteria: GeneDx Variant Classification Process June 2021. Collection method: clinical testing. Allele origin: germline. Affected: yes.
Comment: Not observed at significant frequency in large population cohorts (gnomAD); In silico analysis supports that this missense variant has a deleterious effect on protein structure/function; Has not been previously published as pathogenic or benign to our knowledge

NM_013436.5(NCKAP1):c.1634A>C (p.Tyr545Ser)

Gene: NCKAP1 (NCK associated protein 1; minus strand). Cytogenetic location: 2q32.1.
Variant type: single nucleotide variant.
Coding change: c.1634A>C on transcript NM_013436.5 (MANE Select); coding-DNA position 1634, A replaced by C.
Protein change: p.Tyr545Ser; replaces tyrosine 545 with serine.
Molecular consequence: missense variant.
Genome position (GRCh38, 1-based): chr2:182,964,803, T>G on the plus strand (A>C on the coding strand, the complement: NCKAP1 is on the minus strand). VCF-style: chr2-182964803-T-G. GRCh37 (hg19) VCF-style: chr2-183829531-T-G.
Other names: c.1652A>C, p.Tyr551Ser (NM_205842.3); short protein forms Y545S, Y551S.
Identifiers: ClinVar variation 3372902 (VCV003372902.1).